The following is an entry in ClinVar:

ClinVar aggregate classification (germline): Uncertain significance (1 of 4 stars; one submission).

Conditions:
Osteogenesis imperfecta type I (OI1). Also called: Classic Non-deforming Osteogenesis Imperfecta with Blue Sclerae; OI, TYPE I; OSTEOGENESIS IMPERFECTA TARDA; OSTEOGENESIS IMPERFECTA WITH BLUE SCLERAE; Osteogenesis imperfecta type 1; Lobstein's Disease. Identifiers: Orphanet 216796, Orphanet 666, MedGen C0023931, MONDO:0008146, OMIM 166200. Disease mechanism: loss of function.

Allele frequency attached by ClinVar (database versions not stated): TOPMed below 0.00001; ExAC 0.00002; gnomAD 0.00002.
gnomAD v4.1: 10 of 1,613,430 alleles (0.00062%); highest among the groups gnomAD compares: African/African-American, 0.0027%; no homozygotes.

Submission:

Labcorp Genetics (formerly Invitae), Labcorp
Classification: Uncertain significance for Osteogenesis imperfecta type I. Last evaluated: 2025-09-03. Review status: criteria provided, single submitter. Criteria: Invitae Variant Classification Sherloc (09022015). Collection method: clinical testing. Allele origin: germline.
Comment: This sequence change replaces arginine, which is basic and polar, with histidine, which is basic and polar, at codon 244 of the COL1A1 protein (p.Arg244His). This variant is present in population databases (rs745932436, gnomAD 0.006%). This variant has not been reported in the literature in individuals affected with COL1A1-related conditions. ClinVar contains an entry for this variant (Variation ID: 2768412). Invitae Evidence Modeling of protein sequence and biophysical properties (such as structural, functional, and spatial information, amino acid conservation, physicochemical variation, residue mobility, and thermodynamic stability) indicates that this missense variant is expected to disrupt COL1A1 protein function with a positive predictive value of 95%. In summary, the available evidence is currently insufficient to determine the role of this variant in disease. Therefore, it has been classified as a Variant of Uncertain Significance.

NM_000088.4(COL1A1):c.731G>A (p.Arg244His)

Genes: COL1A1 (collagen type I alpha 1 chain; minus strand), LOC126862586 (CDK7 strongly-dependent group 2 enhancer GRCh37_chr17:48273702-48274901; plus strand). Cytogenetic location: 17q21.33.
Variant type: single nucleotide variant.
Coding change: c.731G>A on transcript NM_000088.4 (MANE Select); coding-DNA position 731, G replaced by A.
Protein change: p.Arg244His; replaces arginine 244 with histidine.
Molecular consequence: missense variant.
Genome position (GRCh38, 1-based): chr17:50,197,199, C>T on the plus strand (G>A on the coding strand, the complement: COL1A1 is on the minus strand). VCF-style: chr17-50197199-C-T. GRCh37 (hg19) VCF-style: chr17-48274560-C-T.
Other names: short protein forms R244H.
Identifiers: ClinVar variation 2768412 (VCV002768412.3), dbSNP rs745932436, ClinGen allele CA8645576.